The following is an entry in ClinVar:

ClinVar aggregate classification (germline): Benign (1 of 4 stars; one submission).

Allele frequency attached by ClinVar (database versions not stated): 1000 Genomes Project 30x 0.00265; 1000 Genomes Project 0.00319.
gnomAD v4.1: 917 of 1,614,024 alleles (0.057%); highest among the groups gnomAD compares: South Asian, 0.96%; 11 homozygotes.

Submission:

CeGaT Center for Human Genetics Tuebingen
Classification: Benign. Last evaluated: 2024-05-01. Review status: criteria provided, single submitter. Criteria: CeGaT Center For Human Genetics Tuebingen Variant Classification Criteria Version 2. Collection method: clinical testing. Allele origin: germline. Affected: yes. Observed: 1 variant allele.
Comment: SLC11A1: BS1, BS2

NM_000578.4(SLC11A1):c.1450G>C (p.Val484Leu)

Gene: SLC11A1 (solute carrier family 11 member 1; plus strand). Cytogenetic location: 2q35.
Variant type: single nucleotide variant.
Coding change: c.1450G>C on transcript NM_000578.4 (MANE Select); coding-DNA position 1450, G replaced by C.
Protein change: p.Val484Leu; replaces valine 484 with leucine.
Molecular consequence: missense variant.
Genome position (GRCh38, 1-based): chr2:218,394,693, G>C. VCF-style: chr2-218394693-G-C. GRCh37 (hg19) VCF-style: chr2-219259416-G-C.
Other names: short protein forms V484L.
Identifiers: ClinVar variation 3239132 (VCV003239132.19), dbSNP rs138316650.